The following is an entry in ClinVar:

NM_005076.5(CNTN2):c.1141C>T (p.Arg381Trp)

Gene: CNTN2 (contactin 2; plus strand). Cytogenetic location: 1q32.1.
Variant type: single nucleotide variant.
Coding change: c.1141C>T on transcript NM_005076.5 (MANE Select); coding-DNA position 1141, C replaced by T.
Protein change: p.Arg381Trp; replaces arginine 381 with tryptophan.
Molecular consequence: missense variant. On other transcripts: non-coding transcript variant (1).
Genome position (GRCh38, 1-based): chr1:205,062,470, C>T. VCF-style: chr1-205062470-C-T. GRCh37 (hg19) VCF-style: chr1-205031598-C-T.
Other names: c.1141C>T, p.Arg381Trp (NM_001346083.2); short protein forms R381W.
Identifiers: ClinVar variation 836800 (VCV000836800.4), dbSNP rs558556897, ClinGen allele CA1351288.

ClinVar aggregate classification (germline): Uncertain significance (1 of 4 stars; one submission).

Conditions:
Epilepsy, familial adult myoclonic, 5 (EPEO5). Also called: CORTICAL MYOCLONIC TREMOR WITH EPILEPSY, FAMILIAL, 5. Identifiers: Orphanet 86814, MedGen C3809374, MONDO:0014167, OMIM 615400.

Allele frequency attached by ClinVar (database versions not stated): gnomAD exomes below 0.00001; ExAC 0.00001; gnomAD 0.00001 and 0.00002; TOPMed 0.00001; 1000 Genomes Project 0.00020; 1000 Genomes Project 30x 0.00031.
gnomAD v4.1: 23 of 1,613,952 alleles (0.0014%); highest among the groups gnomAD compares: African/African-American, 0.004%; no homozygotes.

Submission:

Labcorp Genetics (formerly Invitae), Labcorp
Classification: Uncertain significance for Epilepsy, familial adult myoclonic, 5. Last evaluated: 2021-12-01. Review status: criteria provided, single submitter. Criteria: Invitae Variant Classification Sherloc (09022015). Collection method: clinical testing. Allele origin: germline.
Comment: This sequence change replaces arginine, which is basic and polar, with tryptophan, which is neutral and slightly polar, at codon 381 of the CNTN2 protein (p.Arg381Trp). This variant is present in population databases (rs558556897, gnomAD 0.007%). This variant has not been reported in the literature in individuals affected with CNTN2-related conditions. ClinVar contains an entry for this variant (Variation ID: 836800). Advanced modeling of protein sequence and biophysical properties (such as structural, functional, and spatial information, amino acid conservation, physicochemical variation, residue mobility, and thermodynamic stability) performed at Invitae indicates that this missense variant is not expected to disrupt CNTN2 protein function. In summary, the available evidence is currently insufficient to determine the role of this variant in disease. Therefore, it has been classified as a Variant of Uncertain Significance.